The following is an entry in ClinVar:

ClinVar aggregate classification (germline): Uncertain significance (1 of 4 stars; one submission).

gnomAD v4.1: 1 of 1,614,086 alleles (0.000062%); highest among the groups gnomAD compares: Non-Finnish European, 0.000085%; no homozygotes.

Submission:

Labcorp Genetics (formerly Invitae), Labcorp
Classification: Uncertain significance. Last evaluated: 2023-01-22. Review status: criteria provided, single submitter. Criteria: Invitae Variant Classification Sherloc (09022015). Collection method: clinical testing. Allele origin: germline.
Comment: In summary, the available evidence is currently insufficient to determine the role of this variant in disease. Therefore, it has been classified as a Variant of Uncertain Significance. Algorithms developed to predict the effect of missense changes on protein structure and function are either unavailable or do not agree on the potential impact of this missense change (SIFT: "Deleterious"; PolyPhen-2: "Probably Damaging"; Align-GVGD: "Class C0"). This variant has not been reported in the literature in individuals affected with SPEG-related conditions. This variant is not present in population databases (gnomAD no frequency). This sequence change replaces leucine, which is neutral and non-polar, with valine, which is neutral and non-polar, at codon 3091 of the SPEG protein (p.Leu3091Val).

NM_005876.5(SPEG):c.9271C>G (p.Leu3091Val)

Genes: ASIC4-AS1 (ASIC4 antisense RNA 1; minus strand), SPEG (striated muscle enriched protein kinase; plus strand). Cytogenetic location: 2q35.
Variant type: single nucleotide variant.
Coding change: c.9271C>G on transcript NM_005876.5 (MANE Select); coding-DNA position 9271, C replaced by G.
Protein change: p.Leu3091Val; replaces leucine 3091 with valine.
Molecular consequence: missense variant.
Genome position (GRCh38, 1-based): chr2:219,490,842, C>G. VCF-style: chr2-219490842-C-G. GRCh37 (hg19) VCF-style: chr2-220355564-C-G.
Other names: short protein forms L3091V.
Identifiers: ClinVar variation 2831054 (VCV002831054.3), dbSNP rs749508990, ClinGen allele CA350715531.